The following is an entry in ClinVar:

ClinVar aggregate classification (germline): Uncertain significance (1 of 4 stars; one submission).

Conditions:
Progressive myoclonic epilepsy. Also called: Myoclonic Epilepsies, Progressive; Myoclonus epilepsy; Progressive myoclonus epilepsy; Familial progressive myoclonic epilepsy. Identifiers: Orphanet 308, Orphanet 98261, MedGen C0751778, MONDO:0020074.

Submission:

Labcorp Genetics (formerly Invitae), Labcorp
Classification: Uncertain significance for Progressive myoclonic epilepsy. Last evaluated: 2022-06-27. Review status: criteria provided, single submitter. Criteria: Invitae Variant Classification Sherloc (09022015). Collection method: clinical testing. Allele origin: germline.
Comment: In summary, the available evidence is currently insufficient to determine the role of this variant in disease. Therefore, it has been classified as a Variant of Uncertain Significance. Algorithms developed to predict the effect of sequence changes on RNA splicing suggest that this variant may disrupt the consensus splice site. Algorithms developed to predict the effect of missense changes on protein structure and function (SIFT, PolyPhen-2, Align-GVGD) all suggest that this variant is likely to be tolerated. This variant has not been reported in the literature in individuals affected with GOSR2-related conditions. This variant is not present in population databases (gnomAD no frequency). This sequence change replaces isoleucine, which is neutral and non-polar, with methionine, which is neutral and non-polar, at codon 32 of the GOSR2 protein (p.Ile32Met).

NM_004287.5(GOSR2):c.96A>G (p.Ile32Met)

Genes: LRRC37A2 (leucine rich repeat containing 37 member A2), GOSR2 (golgi SNAP receptor complex member 2; plus strand), LOC126862578 (BRD4-independent group 4 enhancer GRCh37_chr17:45008344-45009543; plus strand). Cytogenetic location: 17q21.32.
Variant type: single nucleotide variant.
Coding change: c.96A>G on transcript NM_004287.5 (MANE Select); coding-DNA position 96, A replaced by G.
Protein change: p.Ile32Met; replaces isoleucine 32 with methionine.
Molecular consequence: missense variant. On other transcripts: non-coding transcript variant (3), splice acceptor variant (3).
Genome position (GRCh38, 1-based): chr17:46,931,100, A>G. VCF-style: chr17-46931100-A-G. GRCh37 (hg19) VCF-style: chr17-45008466-A-G.
Other names: c.96A>G, p.Ile32Met (NM_001012511.3, NM_001321133.2, NM_001330252.2 and 1 more transcripts); c.42A>G, p.Ile14Met (NM_001321134.2, NM_001363851.2); c.95-2A>G (NM_001353114.2, NM_001353115.2, NM_001353116.2); short protein forms I14M, I32M.
Identifiers: ClinVar variation 1382859 (VCV001382859.6), dbSNP rs2146890867, ClinGen allele CA400016574.